The following is an entry in ClinVar:

ClinVar aggregate classification (germline): Pathogenic (1 of 4 stars; one submission).

Conditions:
Ehlers-Danlos syndrome due to tenascin-X deficiency (EDSCLL1). Also called: EDS DUE TO TNX DEFICIENCY; TNX DEFICIENCY; Ehlers-Danlos syndrome, classic-like, 1; EHLERS-DANLOS SYNDROME, CLASSIC-LIKE; TNXB-Related Classical-Like Ehlers-Danlos Syndrome. Identifiers: Orphanet 230839, MedGen C1848029, MONDO:0011670, OMIM 606408.

Submission:

Myriad Genetics, Inc.
Classification: Pathogenic for Ehlers-Danlos syndrome due to tenascin-X deficiency. Last evaluated: 2026-08-22. Review status: criteria provided, single submitter. Criteria: Myriad Autosomal Dominant, Autosomal Recessive and X-Linked Classification Criteria (2023). Collection method: clinical testing. Allele origin: unknown.
Comment: NM_019105.6(TNXB):c.6655_6656delGG(G2219Pfs*3) is expected to be pathogenic in the context of classical-like Ehlers-Danlos syndrome, TNXB-related. This variant is predicted to lead to an abnormal or absent protein product due to the creation of a premature termination codon in TNXB, a gene where loss-of-function variants are known to be pathogenic. Please note: this variant was assessed in the context of healthy population screening.

NM_001365276.2(TNXB):c.6655_6656del (p.Gly2219fs)

Gene: TNXB (tenascin XB; minus strand). Cytogenetic location: 6p21.33.
Variant type: Deletion.
Coding change: c.6655_6656del on transcript NM_001365276.2 (MANE Select); coding-DNA positions 6655 to 6656, 2 bases deleted (GG; older notation c.6655_6656delGG).
Protein change: p.Gly2219fs; shifts the reading frame from glycine 2219.
Molecular consequence: frameshift variant.
Genome position (GRCh38, 1-based): chr6:32,065,006-32,065,007, CC deleted on the plus strand (GG on the coding strand, the reverse complement: TNXB is on the minus strand); deleting any 2 consecutive bases within chr6:32,065,006-32,065,008 gives the same sequence; the c. name uses the placement nearest the transcript's 3' end. VCF-style (leftmost placement, unchanged base first): chr6-32065005-GCC-G. GRCh37 (hg19) VCF-style: chr6-32032782-GCC-G.
Other names: c.7396_7397del, p.Gly2466fs (NM_001428335.1); c.6655_6656del, p.Gly2219fs (NM_019105.8); short protein forms G2219fs, G2466fs.
Identifiers: ClinVar variation 5016266 (VCV005016266.1).
Genomic context (GRCh38, chr6:32,065,005, plus strand): 5'-CCGCACCGCCTTGGGCTGCCCGTCCCCATTCTTAAACTGGACCAAGAAATGGTCAAACTG[GCC>G]CTCGGGGACTGTCCAGGAGAGGCTGAGGGAGTCGGAGGTGATGTCTCTCACTGTCATCTG-3'